The following is an entry in ClinVar:

NM_001048174.2(MUTYH):c.1520C>G (p.Ser507Cys)

Gene: MUTYH (mutY DNA glycosylase; minus strand). Cytogenetic location: 1p34.1.
Variant type: single nucleotide variant.
Coding change: c.1520C>G on transcript NM_001048174.2 (MANE Select); coding-DNA position 1520, C replaced by G.
Protein change: p.Ser507Cys; replaces serine 507 with cysteine.
Molecular consequence: missense variant. On other transcripts: non-coding transcript variant (7).
Genome position (GRCh38, 1-based): chr1:45,329,352, G>C on the plus strand (C>G on the coding strand, the complement: MUTYH is on the minus strand). VCF-style: chr1-45329352-G-C. GRCh37 (hg19) VCF-style: chr1-45795024-G-C.
Other names: c.1520C>G, p.Ser507Cys (NM_001048171.2, NM_001048173.2, NM_001407070.1 and 6 more transcripts); c.1523C>G, p.Ser508Cys (NM_001048172.2, NM_001407071.1, NM_001407078.1 and 1 more transcripts); c.1436C>G, p.Ser479Cys (NM_001407075.1); c.1553C>G, p.Ser518Cys (NM_001407077.1, NM_001293191.2, NM_001407069.1); c.1481C>G, p.Ser494Cys (NM_001407079.1); c.1478C>G, p.Ser493Cys (NM_001407080.1); c.1604C>G, p.Ser535Cys (NM_001128425.2); c.1565C>G, p.Ser522Cys (NM_001293190.2); and 5 more; short protein forms S479C, S494C, S507C, S514C, S392C, S415C, S518C, S522C.
Identifiers: ClinVar variation 4113428 (VCV004113428.1).

ClinVar aggregate classification (germline): Uncertain significance (1 of 4 stars; one submission).

Conditions:
Hereditary cancer-predisposing syndrome. Also called: Tumor predisposition; Neoplastic Syndromes, Hereditary; Hereditary neoplastic syndrome; Hereditary Cancer Syndrome. Identifiers: Orphanet 140162, MedGen C0027672, MeSH D009386, MONDO:0015356.

Submission:

Ambry Genetics
Classification: Uncertain significance for Hereditary cancer-predisposing syndrome. Last evaluated: 2025-08-27. Review status: criteria provided, single submitter. Criteria: Ambry Variant Classification Scheme 2023. Collection method: clinical testing. Allele origin: germline.
Comment: The p.S535C variant (also known as c.1604C>G), located in coding exon 16 of the MUTYH gene, results from a C to G substitution at nucleotide position 1604. The serine at codon 535 is replaced by cysteine, an amino acid with dissimilar properties. This amino acid position is conserved. In addition, this alteration is predicted to be tolerated by in silico analysis. Based on the available evidence, the clinical significance of this variant remains unclear.